The following is an entry in ClinVar:

NM_000548.5(TSC2):c.774+2T>C

Gene: TSC2 (TSC complex subunit 2; plus strand). Cytogenetic location: 16p13.3.
Variant type: single nucleotide variant.
Coding change: c.774+2T>C on transcript NM_000548.5 (MANE Select); the canonical splice donor site of the intron after coding-DNA position 774, T replaced by C.
Molecular consequence: splice donor variant.
Genome position (GRCh38, 1-based): chr16:2,056,771, T>C. VCF-style: chr16-2056771-T-C. GRCh37 (hg19) VCF-style: chr16-2106772-T-C.
Other names: c.-658+2T>C (NM_001406693.1, NM_001406689.1, NM_001406690.1 and 4 more transcripts); c.864+2T>C (NM_001406667.1, NM_001406668.1); c.174+2T>C (NM_001406680.1, NM_001406683.1, NM_001406687.1 and 6 more transcripts); c.-834+2T>C (NM_001406698.1); c.774+2T>C (NM_001114382.3, NM_001406663.1, NM_001406664.1 and 6 more transcripts); c.-539+2T>C (NM_001406694.1, NM_001406695.1); c.762+2T>C (NM_001406671.1, NM_001406673.1); c.312+2T>C (NM_001406681.1); and 4 more.
Identifiers: ClinVar variation 2500640 (VCV002500640.1), dbSNP rs45517129, ClinGen allele CA394312862.

ClinVar aggregate classification (germline): Pathogenic (1 of 4 stars; one submission).

Submission:

GeneDx
Classification: Pathogenic. Last evaluated: 2022-10-25. Review status: criteria provided, single submitter. Criteria: GeneDx Variant Classification Process June 2021. Collection method: clinical testing. Allele origin: germline. Affected: yes.
Comment: Canonical splice site variant expected to result in aberrant splicing, although in the absence of functional evidence the actual effect of this sequence change is unknown.; Not observed at significant frequency in large population cohorts (gnomAD); Splice site variant that may result in an in-frame deletion of an adjacent exon, and deletions involving coding exons of this gene are a known mechanism of disease (HGMD); Has not been previously published as pathogenic or benign to our knowledge; This variant is associated with the following publications: (PMID: 18466115)